The following is an entry in ClinVar:

NM_080425.4(GNAS):c.319G>C (p.Glu107Gln)

Gene: GNAS (GNAS complex locus; plus strand). Cytogenetic location: 20q13.32.
Variant type: single nucleotide variant.
Coding change: c.319G>C on transcript NM_080425.4 (MANE Plus Clinical); coding-DNA position 319, G replaced by C.
Protein change: p.Glu107Gln; replaces glutamic acid 107 with glutamine.
Molecular consequence: missense variant. On other transcripts: synonymous variant (2), intron variant (3).
Genome position (GRCh38, 1-based): chr20:58,853,584, G>C. VCF-style: chr20-58853584-G-C. GRCh37 (hg19) VCF-style: chr20-57428639-G-C.
Other names: c.132G>C, p.Leu44= (NM_001077490.3, NM_001309883.1); c.319G>C, p.Glu107Gln (NM_001410913.1); c.*42+12698G>C (NM_016592.5); c.43+12698G>C (NM_001410912.1); c.-39+11709G>C (NM_001309861.2); short protein forms E107Q.
Identifiers: ClinVar variation 4991944 (VCV004991944.1).

ClinVar aggregate classification (germline): Uncertain significance (1 of 4 stars; one submission).

Conditions:
GNAS-related disorder. Identifiers: MedGen CN380105.

gnomAD v4.1: 3 of 1,613,332 alleles (0.00019%); highest among the groups gnomAD compares: Non-Finnish European, 0.00025%; no homozygotes.

Submission:

PreventionGenetics, part of Exact Sciences
Classification: Uncertain significance for GNAS-related condition. Last evaluated: 2026-05-20. Review status: criteria provided, single submitter. Criteria: ACMG Guidelines, 2015. Collection method: clinical testing. Allele origin: germline.
Comment: The GNAS c.319G>C variant is predicted to result in the amino acid substitution p.Glu107Gln. To our knowledge, this variant has not been reported in the literature. This variant is reported in 0.0018% of alleles in individuals of European (Non-Finnish) descent in gnomAD. At this time, the clinical significance of this variant is uncertain due to the absence of conclusive functional and genetic evidence.